The following is an entry in ClinVar:

ClinVar aggregate classification (germline): Likely benign (1 of 4 stars; one submission).

Conditions:
Familial hypercholesterolemia. Also called: Familial hypercholesterolaemia. Identifiers: MedGen C0020445, MONDO:0005439.

Submission:

GENinCode PLC
Classification: Likely benign for Familial hypercholesterolemia. Last evaluated: 2025-01-09. Review status: criteria provided, single submitter. Criteria: ACMG Guidelines, 2015. Collection method: clinical testing. Allele origin: germline.
Comment: This is a synonymous (silent) variant that is not predicted to impact splicing and occurs at a nucleotide which is not highly conserved. This variant has been classified as Likely Benign (BP4, BP7).

NM_000384.3(APOB):c.7422G>A (p.Lys2474=)

Gene: APOB (apolipoprotein B; minus strand). Cytogenetic location: 2p24.1.
Variant type: single nucleotide variant.
Coding change: c.7422G>A on transcript NM_000384.3 (MANE Select); coding-DNA position 7422, G replaced by A.
Protein change: p.Lys2474=; no amino-acid change (lysine 2474 retained).
Molecular consequence: synonymous variant.
Genome position (GRCh38, 1-based): chr2:21,009,446, C>T on the plus strand (G>A on the coding strand, the complement: APOB is on the minus strand). VCF-style: chr2-21009446-C-T. GRCh37 (hg19) VCF-style: chr2-21232318-C-T.
Identifiers: ClinVar variation 3571441 (VCV003571441.1).